The following is an entry in ClinVar:

NM_014714.4(IFT140):c.1871C>T (p.Thr624Met)

Gene: IFT140 (intraflagellar transport 140; minus strand). Cytogenetic location: 16p13.3.
Variant type: single nucleotide variant.
Coding change: c.1871C>T on transcript NM_014714.4 (MANE Select); coding-DNA position 1871, C replaced by T.
Protein change: p.Thr624Met; replaces threonine 624 with methionine.
Molecular consequence: missense variant.
Genome position (GRCh38, 1-based): chr16:1,566,191, G>A on the plus strand (C>T on the coding strand, the complement: IFT140 is on the minus strand). VCF-style: chr16-1566191-G-A. GRCh37 (hg19) VCF-style: chr16-1616192-G-A.
Other names: short protein forms T624M.
Identifiers: ClinVar variation 1014149 (VCV001014149.8), dbSNP rs891304446, ClinGen allele CA276661024.

ClinVar aggregate classification (germline): Uncertain significance (1 of 4 stars; one submission).

Conditions:
Saldino-Mainzer syndrome (SRTD9). Also called: CONORENAL SYNDROME; Renal dysplasia, retinal pigmentary dystrophy, cerebellar ataxia and skeletal dysplasia; short-rib thoracic dysplasia 9 with or without polydactyly; SHORT-RIB THORACIC DYSPLASIA 9 WITHOUT POLYDACTYLY. Identifiers: Orphanet 140969, MedGen C1849437, MONDO:0009964, OMIM 266920.

Allele frequency attached by ClinVar (database versions not stated): gnomAD exomes 0.00001; TOPMed 0.00001.
gnomAD v4.1: 8 of 1,613,732 alleles (0.0005%); highest among the groups gnomAD compares: African/African-American, 0.0013%; no homozygotes.

Submission:

Labcorp Genetics (formerly Invitae), Labcorp
Classification: Uncertain significance for Saldino-Mainzer syndrome. Last evaluated: 2025-08-26. Review status: criteria provided, single submitter. Criteria: Invitae Variant Classification Sherloc (09022015). Collection method: clinical testing. Allele origin: germline.
Comment: This sequence change replaces threonine, which is neutral and polar, with methionine, which is neutral and non-polar, at codon 624 of the IFT140 protein (p.Thr624Met). This variant is not present in population databases (gnomAD no frequency). This variant has not been reported in the literature in individuals affected with IFT140-related conditions. ClinVar contains an entry for this variant (Variation ID: 1014149). Invitae Evidence Modeling of protein sequence and biophysical properties (such as structural, functional, and spatial information, amino acid conservation, physicochemical variation, residue mobility, and thermodynamic stability) indicates that this missense variant is not expected to disrupt IFT140 protein function with a negative predictive value of 95%. In summary, the available evidence is currently insufficient to determine the role of this variant in disease. Therefore, it has been classified as a Variant of Uncertain Significance.